The following is an entry in ClinVar:

NM_004187.5(KDM5C):c.3322G>A (p.Ala1108Thr)

Gene: KDM5C (lysine demethylase 5C; minus strand). Cytogenetic location: Xp11.22.
Variant type: single nucleotide variant.
Coding change: c.3322G>A on transcript NM_004187.5 (MANE Select); coding-DNA position 3322, G replaced by A.
Protein change: p.Ala1108Thr; replaces alanine 1108 with threonine.
Molecular consequence: missense variant. On other transcripts: non-coding transcript variant (3).
Genome position (GRCh38, 1-based): chrX:53,195,047, C>T on the plus strand (G>A on the coding strand, the complement: KDM5C is on the minus strand). VCF-style: chrX-53195047-C-T. GRCh37 (hg19) VCF-style: chrX-53224229-C-T.
Other names: c.3121G>A, p.Ala1041Thr (NM_001146702.2); c.3319G>A, p.Ala1107Thr (NM_001282622.3, NM_001353979.2, NM_001353982.2); c.3322G>A, p.Ala1108Thr (NM_001353978.3, NM_001353981.2, NM_001353984.2); short protein forms A1107T, A1108T, A1041T.
Identifiers: ClinVar variation 4087837 (VCV004087837.1).

ClinVar aggregate classification (germline): Uncertain significance (1 of 4 stars; one submission).

Submission:

GeneDx
Classification: Uncertain significance. Last evaluated: 2025-03-24. Review status: criteria provided, single submitter. Criteria: GeneDx Variant Classification Process June 2021. Collection method: clinical testing. Allele origin: germline. Affected: yes.
Comment: Not observed at significant frequency in large population cohorts (gnomAD); In silico analysis indicates that this missense variant does not alter protein structure/function; Has not been previously published as pathogenic or benign to our knowledge